The following is an entry in ClinVar:

NM_015378.4(VPS13D):c.1802-8T>C

Gene: VPS13D (vacuolar protein sorting 13 homolog D; plus strand). Cytogenetic location: 1p36.22.
Variant type: single nucleotide variant.
Coding change: c.1802-8T>C on transcript NM_015378.4 (MANE Select); 8 bases into the intron before coding-DNA position 1802, T replaced by C.
Molecular consequence: intron variant.
Genome position (GRCh38, 1-based): chr1:12,268,698, T>C. VCF-style: chr1-12268698-T-C. GRCh37 (hg19) VCF-style: chr1-12328755-T-C.
Other names: p.?; c.1802-8T>C (NM_018156.4).
Identifiers: ClinVar variation 2898245 (VCV002898245.4), dbSNP rs370948040, ClinGen allele CA601654.

ClinVar aggregate classification (germline): Likely benign. Review status: criteria provided, multiple submitters, no conflicts (2 of 4 stars). 2 submissions from 2 submitters: Likely benign (2). Last evaluated 2025-06-24.

Allele frequency attached by ClinVar (database versions not stated): gnomAD 0.00004; ESP Exome Variant Server 0.00008; TOPMed 0.00004.
gnomAD v4.1: 160 of 1,611,844 alleles (0.0099%); highest among the groups gnomAD compares: Non-Finnish European, 0.013%; no homozygotes.

Submissions (2):

Labcorp Genetics (formerly Invitae), Labcorp
Classification: Likely benign. Last evaluated: 2025-06-24. Review status: criteria provided, single submitter. Criteria: Invitae Variant Classification Sherloc (09022015). Collection method: clinical testing. Allele origin: germline.

Mayo Clinic Laboratories, Mayo Clinic
Classification: Likely benign. Last evaluated: 2025-03-24. Review status: criteria provided, single submitter. Criteria: ACMG Guidelines, 2015. Collection method: clinical testing. Allele origin: germline. Observed: 1 variant allele.
Comment: BP4, BP7